The following is an entry in ClinVar:

NM_001164277.2(SLC37A4):c.602C>T (p.Pro201Leu)

Gene: SLC37A4 (solute carrier family 37 member 4; minus strand). Cytogenetic location: 11q23.3.
Variant type: single nucleotide variant.
Coding change: c.602C>T on transcript NM_001164277.2 (MANE Select); coding-DNA position 602, C replaced by T.
Protein change: p.Pro201Leu; replaces proline 201 with leucine.
Molecular consequence: missense variant.
Genome position (GRCh38, 1-based): chr11:119,027,651, G>A on the plus strand (C>T on the coding strand, the complement: SLC37A4 is on the minus strand). VCF-style: chr11-119027651-G-A. GRCh37 (hg19) VCF-style: chr11-118898361-G-A.
Other names: c.602C>T, p.Pro201Leu (NM_001164278.2, NM_001164280.2, NM_001467.6); c.383C>T, p.Pro128Leu (NM_001164279.2); short protein forms P128L, P201L.
Identifiers: ClinVar variation 4741534 (VCV004741534.1).

ClinVar aggregate classification (germline): Uncertain significance (1 of 4 stars; one submission).

Conditions:
Glucose-6-phosphate transport defect (GSD1B). Also called: Glycogen Storage Disease Type Ib; GSD Ib. Identifiers: Orphanet 364, Orphanet 79259, MedGen C0268146, MONDO:0009288, OMIM 232220.

Submission:

Labcorp Genetics (formerly Invitae), Labcorp
Classification: Uncertain significance for Glucose-6-phosphate transport defect. Last evaluated: 2025-11-17. Review status: criteria provided, single submitter. Criteria: Invitae Variant Classification Sherloc (09022015). Collection method: clinical testing. Allele origin: germline.
Comment: This sequence change replaces proline, which is neutral and non-polar, with leucine, which is neutral and non-polar, at codon 201 of the SLC37A4 protein (p.Pro201Leu). This variant is not present in population databases (gnomAD no frequency). This variant has not been reported in the literature in individuals affected with SLC37A4-related conditions. Invitae Evidence Modeling of protein sequence and biophysical properties (such as structural, functional, and spatial information, amino acid conservation, physicochemical variation, residue mobility, and thermodynamic stability) indicates that this missense variant is not expected to disrupt SLC37A4 protein function with a negative predictive value of 80%. In summary, the available evidence is currently insufficient to determine the role of this variant in disease. Therefore, it has been classified as a Variant of Uncertain Significance.